The following is an entry in ClinVar:

ClinVar aggregate classification (germline): Uncertain significance (1 of 4 stars; one submission).

Conditions:
KCNQ4-related disorder. Also called: KCNQ4-related condition.

Submission:

PreventionGenetics, part of Exact Sciences
Classification: Uncertain significance for KCNQ4-related condition. Last evaluated: 2025-08-01. Review status: criteria provided, single submitter. Criteria: ACMG Guidelines, 2015. Collection method: clinical testing. Allele origin: germline.
Comment: The KCNQ4 c.1669G>T variant is predicted to result in the amino acid substitution p.Asp557Tyr. To our knowledge, this variant has not been reported in the literature or in a large population database (gnomAD), indicating this variant is rare. At this time, the clinical significance of this variant is uncertain due to the absence of conclusive functional and genetic evidence.

NM_004700.4(KCNQ4):c.1669G>T (p.Asp557Tyr)

Gene: KCNQ4 (potassium voltage-gated channel subfamily Q member 4; plus strand). Cytogenetic location: 1p34.2.
Variant type: single nucleotide variant.
Coding change: c.1669G>T on transcript NM_004700.4 (MANE Select); coding-DNA position 1669, G replaced by T.
Protein change: p.Asp557Tyr; replaces aspartic acid 557 with tyrosine.
Molecular consequence: missense variant.
Genome position (GRCh38, 1-based): chr1:40,835,022, G>T. VCF-style: chr1-40835022-G-T. GRCh37 (hg19) VCF-style: chr1-41300694-G-T.
Other names: c.1507G>T, p.Asp503Tyr (NM_172163.3); short protein forms D503Y, D557Y.
Identifiers: ClinVar variation 4997354 (VCV004997354.1).